The following is an entry in ClinVar:

ClinVar aggregate classification (germline): Likely pathogenic (1 of 4 stars; one submission).

Conditions:
Primary ciliary dyskinesia 3. Identifiers: Orphanet 244, MedGen C1837618, MONDO:0012085, OMIM 608644.

Submission:

Myriad Genetics, Inc.
Classification: Likely pathogenic for Primary ciliary dyskinesia 3. Last evaluated: 2022-03-29. Review status: criteria provided, single submitter. Criteria: Myriad Women's Health Autosomal Recessive and X-Linked Classification Criteria (2021). Collection method: clinical testing. Allele origin: unknown.
Comment: NM_001369.2(DNAH5):c.8068A>T(K2690*) is expected to be pathogenic in the context of DNAH5-related primary ciliary dyskinesia. This variant is predicted to lead to an abnormal or absent protein product due to the creation of a premature termination codon in DNAH5, a gene where loss-of-function variants are known to be pathogenic. Please note: this variant was assessed in the context of healthy population screening.

NM_001369.3(DNAH5):c.8068A>T (p.Lys2690Ter)

Gene: DNAH5 (dynein axonemal heavy chain 5; minus strand). Cytogenetic location: 5p15.2.
Variant type: single nucleotide variant.
Coding change: c.8068A>T on transcript NM_001369.3 (MANE Select); coding-DNA position 8068, A replaced by T.
Protein change: p.Lys2690Ter; replaces lysine 2690 with a stop codon.
Molecular consequence: nonsense.
Genome position (GRCh38, 1-based): chr5:13,793,671, T>A on the plus strand (A>T on the coding strand, the complement: DNAH5 is on the minus strand). VCF-style: chr5-13793671-T-A. GRCh37 (hg19) VCF-style: chr5-13793780-T-A.
Other names: short protein forms K2690*.
Identifiers: ClinVar variation 1725531 (VCV001725531.2), dbSNP rs2546743814, ClinGen allele CA359221471.
Genomic context (GRCh38, chr5:13,793,671, plus strand): 5'-CAGGATGGATCATGGCTGCCAAAAACTGGATGTCCACGATGCTGGTGAACTCCCCAGGCT[T>A]CTCTAGATTATAGAATCCATTTTGTTCCATCAGCTGTCGCACTATCTCATTCGTAACCTA-3'